The following is an entry in ClinVar:

NM_005633.4(SOS1):c.2357G>A (p.Arg786Gln)

Gene: SOS1 (SOS Ras/Rac guanine nucleotide exchange factor 1; minus strand). Cytogenetic location: 2p22.1.
Variant type: single nucleotide variant.
Coding change: c.2357G>A on transcript NM_005633.4 (MANE Select); coding-DNA position 2357, G replaced by A.
Protein change: p.Arg786Gln; replaces arginine 786 with glutamine.
Molecular consequence: missense variant.
Genome position (GRCh38, 1-based): chr2:39,012,159, C>T on the plus strand (G>A on the coding strand, the complement: SOS1 is on the minus strand). VCF-style: chr2-39012159-C-T. GRCh37 (hg19) VCF-style: chr2-39239300-C-T.
Other names: c.2336G>A, p.Arg779Gln (NM_001382394.1); c.2357G>A, p.Arg786Gln (NM_001382395.1); short protein forms R779Q, R786Q.
Identifiers: ClinVar variation 4700908 (VCV004700908.1).

ClinVar aggregate classification (germline): Uncertain significance (1 of 4 stars; one submission).

Conditions:
RASopathy. Also called: Noonan spectrum disorder; rasopathies. Identifiers: Orphanet 536391, MedGen C5555857, MONDO:0021060.

Submission:

Labcorp Genetics (formerly Invitae), Labcorp
Classification: Uncertain significance for RASopathy. Last evaluated: 2025-02-04. Review status: criteria provided, single submitter. Criteria: Invitae Variant Classification Sherloc (09022015). Collection method: clinical testing. Allele origin: germline.
Comment: This sequence change replaces arginine, which is basic and polar, with glutamine, which is neutral and polar, at codon 786 of the SOS1 protein (p.Arg786Gln). This variant is not present in population databases (gnomAD no frequency). This variant has not been reported in the literature in individuals affected with SOS1-related conditions. Invitae Evidence Modeling of protein sequence and biophysical properties (such as structural, functional, and spatial information, amino acid conservation, physicochemical variation, residue mobility, and thermodynamic stability) has been performed for this missense variant. However, the output from this modeling did not meet the statistical confidence thresholds required to predict the impact of this variant on SOS1 protein function. In summary, the available evidence is currently insufficient to determine the role of this variant in disease. Therefore, it has been classified as a Variant of Uncertain Significance.